The following is an entry in ClinVar:

NM_001395656.1(ROBO2):c.*3183G>A

Gene: ROBO2 (roundabout guidance receptor 2; plus strand). Cytogenetic location: 3p12.3.
Variant type: single nucleotide variant.
Coding change: c.*3183G>A on transcript NM_001395656.1 (MANE Select); 3183 bases downstream of the stop codon, G replaced by A.
Molecular consequence: 3 prime UTR variant.
Genome position (GRCh38, 1-based): chr3:77,649,238, G>A. VCF-style: chr3-77649238-G-A. GRCh37 (hg19) VCF-style: chr3-77698389-G-A.
Other names: c.*3183G>A (NM_001128929.3, NM_001290039.2, NM_001290040.2 and 14 more transcripts); c.*3180G>A (NM_001378194.1, NM_001378196.1, NM_001378199.1 and 3 more transcripts).
Identifiers: ClinVar variation 346762 (VCV000346762.6), dbSNP rs73845747, ClinGen allele CA10619621.

ClinVar aggregate classification (germline): Benign (1 of 4 stars; one submission).

Conditions:
Vesicoureteral reflux 2 (VUR2). Identifiers: Orphanet 289365, MedGen C1970483, MONDO:0012573, OMIM 610878.

Allele frequency attached by ClinVar (database versions not stated): gnomAD 0.01206 and 0.01291; TOPMed 0.01337; 1000 Genomes Project 0.01378; 1000 Genomes Project 30x 0.01390.

Submission:

Illumina Laboratory Services, Illumina
Classification: Benign for Vesicoureteral reflux 2. Last evaluated: 2018-01-12. Review status: criteria provided, single submitter. Criteria: ICSL Variant Classification Criteria 13 December 2019. Collection method: clinical testing. Allele origin: germline.
Comment: This variant was observed in the ICSL laboratory as part of a predisposition screen in an ostensibly healthy population. It had not been previously curated by ICSL or reported in the Human Gene Mutation Database (HGMD: prior to June 1st, 2018), and was therefore a candidate for classification through an automated scoring system. Utilizing variant allele frequency, disease prevalence and penetrance estimates, and inheritance mode, an automated score was calculated to assess if this variant is too frequent to cause the disease. Based on the score and internal cut-off values, a variant classified as benign is not then subjected to further curation. The score for this variant resulted in a classification of benign for this disease.